The following is an entry in ClinVar:

ClinVar aggregate classification (germline): Pathogenic/Likely pathogenic. Review status: criteria provided, multiple submitters, no conflicts (2 of 4 stars). 6 submissions from 6 submitters: Pathogenic (5); Likely pathogenic (1). Last evaluated 2025-04-28.

Conditions:
NR2E3-related disorder. Also called: NR2E3-related condition; NR2E3-related disorders. Identifiers: MedGen CN239387.
Enhanced S-cone syndrome (ESCS). Identifiers: Orphanet 53540, MedGen C1849394, MONDO:0100288, MONDO:0009989.
Retinitis pigmentosa (RP). Identifiers: Orphanet 791, MedGen C0035334, MeSH D012174, MONDO:0019200, OMIM 268000. Inheritance: Autosomal dominant, autosomal recessive and X linked inheritance.

Allele frequency attached by ClinVar (database versions not stated): gnomAD 0.00002; TOPMed 0.00002.
gnomAD v4.1: 30 of 1,551,262 alleles (0.0019%); highest among the groups gnomAD compares: Middle Eastern, 0.017%; no homozygotes.

Submissions (6):

Labcorp Genetics (formerly Invitae), Labcorp
Classification: Pathogenic. Last evaluated: 2025-04-28. Review status: criteria provided, single submitter. Criteria: Invitae Variant Classification Sherloc (09022015). Collection method: clinical testing. Allele origin: germline.
Comment: This sequence change replaces arginine, which is basic and polar, with histidine, which is basic and polar, at codon 97 of the NR2E3 protein (p.Arg97His). This variant is not present in population databases (gnomAD no frequency). This missense change has been observed in individuals with enhanced S-cone syndrome (PMID: 10655056, 12963616, 25356976). It has also been observed to segregate with disease in related individuals. ClinVar contains an entry for this variant (Variation ID: 867089). Invitae Evidence Modeling of protein sequence and biophysical properties (such as structural, functional, and spatial information, amino acid conservation, physicochemical variation, residue mobility, and thermodynamic stability) indicates that this missense variant is expected to disrupt NR2E3 protein function with a positive predictive value of 80%. Experimental studies have shown that this missense change affects NR2E3 function (PMID: 19823680, 19898638). For these reasons, this variant has been classified as Pathogenic.

Natera, Inc.
Classification: Pathogenic for Enhanced S cone syndrome. Last evaluated: 2025-01-22. Review status: criteria provided, single submitter. Criteria: Natera Variant Classification Schema (03/2026). Collection method: clinical testing. Allele origin: germline.
Comment: The c.290G>A variant in NR2E3 is a missense variant predicted to cause substitution of arginine to histidine at amino acid 97. This variant is rare in the general population with a frequency below the threshold expected for the associated phenotype(s). This variant has been observed in one or more individuals affected with the associated recessive disease, as either homozygous or compound heterozygous with a second variant (PMID: 15459973, 10655056, 12963616, 29971438, 37628579, 25356976). Additionally, this variant has been observed to segregate in affected family members (PMID: 10655056). Computational prediction algorithms indicate this variant is likely to affect gene or protein function. Given the available evidence, this variant is classified as Pathogenic.

Women's Health and Genetics/Laboratory Corporation of America, LabCorp
Classification: Pathogenic for Retinitis pigmentosa. Last evaluated: 2024-08-15. Review status: criteria provided, single submitter. Criteria: LabCorp Variant Classification Summary - May 2015. Collection method: clinical testing. Allele origin: germline.
Comment: Variant summary: NR2E3 c.290G>A (p.Arg97His) results in a non-conservative amino acid change located in the Zinc finger, nuclear hormone receptor-type domain (IPR001628) of the encoded protein sequence. Four of four in-silico tools predict a damaging effect of the variant on protein function. The variant allele was found at a frequency of 1.9e-05 in 1551262 control chromosomes. c.290G>A has been reported in the literature in multiple individuals affected with enhanced S-cone syndrome and has been found to segregate with the phenotype in at least one family (e.g. Haider_2000, Sharon_2003). These data indicate that the variant is very likely to be associated with disease. At least one publication reports experimental evidence evaluating an impact on protein function and found the variant resulted in reduced nuclear localization, impaired DNA binding, and decreased interaction with the co-regulator CRX (e.g. Kanda_2009). The following publications have been ascertained in the context of this evaluation (PMID: 10655056, 12963616, 19898638). ClinVar contains an entry for this variant (Variation ID: 867089). Based on the evidence outlined above, the variant was classified as pathogenic.

Baylor Genetics
Classification: Likely pathogenic for ENHANCED S-CONE SYNDROME 1. Last evaluated: 2024-01-10. Review status: criteria provided, single submitter. Criteria: ACMG Guidelines, 2015. Collection method: clinical testing. Allele origin: unknown.

Revvity Omics, Revvity
Classification: Pathogenic. Last evaluated: 2022-11-15. Review status: criteria provided, single submitter. Criteria: ACMG Guidelines, 2015. Collection method: clinical testing. Allele origin: germline.

Blueprint Genetics
Classification: Pathogenic for NR2E3-related disorders. Last evaluated: 2019-02-07. Review status: criteria provided, single submitter. Criteria: ACMG Guidelines, 2015. Collection method: clinical testing. Allele origin: germline. Affected: yes. Observed: 2 variant alleles.

Literature cited by the submitters: PubMed 10655056 (cited by 3 submitters); PubMed 12963616 (cited by 3 submitters); PubMed 25356976 (cited by Labcorp Genetics (formerly Invitae), Labcorp and Natera, Inc.); PubMed 19823680 (cited by Labcorp Genetics (formerly Invitae), Labcorp); PubMed 19898638 (cited by Labcorp Genetics (formerly Invitae), Labcorp and Women's Health and Genetics/Laboratory Corporation of America, LabCorp); PubMed 15459973 (cited by Natera, Inc.); PubMed 29971438 (cited by Natera, Inc.); PubMed 37628579 (cited by Natera, Inc.).

NM_014249.4(NR2E3):c.290G>A (p.Arg97His)

Gene: NR2E3 (nuclear receptor subfamily 2 group E member 3; plus strand). Cytogenetic location: 15q23.
Variant type: single nucleotide variant.
Coding change: c.290G>A on transcript NM_014249.4 (MANE Select); coding-DNA position 290, G replaced by A.
Protein change: p.Arg97His; replaces arginine 97 with histidine.
Molecular consequence: missense variant.
Genome position (GRCh38, 1-based): chr15:71,811,810, G>A. VCF-style: chr15-71811810-G-A. GRCh37 (hg19) VCF-style: chr15-72104150-G-A.
Other names: c.290G>A, p.Arg97His (NM_016346.4); short protein forms R97H.
Identifiers: ClinVar variation 867089 (VCV000867089.17), dbSNP rs1489149705, ClinGen allele CA393032536.